The following is an entry in ClinVar:

NM_001005388.3(NFASC):c.2470+2131G>A

Gene: NFASC (neurofascin; plus strand). Cytogenetic location: 1q32.1.
Variant type: single nucleotide variant.
Coding change: c.2470+2131G>A on transcript NM_001005388.3 (MANE Select); 2131 bases into the intron after coding-DNA position 2470, G replaced by A.
Molecular consequence: intron variant.
Genome position (GRCh38, 1-based): chr1:204,984,151, G>A. VCF-style: chr1-204984151-G-A. GRCh37 (hg19) VCF-style: chr1-204953279-G-A.
Other names: c.2586+9G>A (NM_001378329.1); c.2574+9G>A (NM_001160332.2, NM_015090.4); c.2458+2131G>A (NM_001365986.1); c.2619+9G>A (NM_001160331.2).
Identifiers: ClinVar variation 3052665 (VCV003052665.2), dbSNP rs374173119, ClinGen allele CA1350313.
Genomic context (GRCh38, chr1:204,984,151, plus strand): 5'-GTGGAACCGCGTCTACTCCGACACGGTCCAGGGCCAGCTCAGAGAGTACCGAGTGAGGAA[G>A]CCAGCTCCGGACTCACCTAACTACCCAGCTCACTAACCAGGGCCAGGGGTAGCAAATGCG-3'

ClinVar aggregate classification (germline): Likely benign (0 of 4 stars; one submission).

Conditions:
NFASC-related disorder. Also called: NFASC-related condition.

Allele frequency attached by ClinVar (database versions not stated): gnomAD 0.00008; TOPMed 0.00008; ExAC 0.00009; ESP Exome Variant Server 0.00015; gnomAD exomes 0.00022.
gnomAD v4.1: 322 of 1,595,456 alleles (0.02%); highest among the groups gnomAD compares: Non-Finnish European, 0.026%; 1 homozygote.

Submission:

PreventionGenetics, part of Exact Sciences
Classification: Likely benign for NFASC-related condition. Last evaluated: 2019-10-09. Review status: no assertion criteria provided. Collection method: clinical testing. Allele origin: germline.
Comment: This variant is classified as likely benign based on ACMG/AMP sequence variant interpretation guidelines (Richards et al. 2015 PMID: 25741868, with internal and published modifications).